The following is an entry in ClinVar:

NM_201253.3(CRB1):c.4121_4130del (p.Ala1374fs)

Gene: CRB1 (crumbs cell polarity complex component 1; plus strand). Cytogenetic location: 1q31.3.
Variant type: Deletion.
Coding change: c.4121_4130del on transcript NM_201253.3 (MANE Select); coding-DNA positions 4121 to 4130, 10 bases deleted (CAACTCAGGG; older notation c.4121_4130delCAACTCAGGG).
Protein change: p.Ala1374fs; shifts the reading frame from alanine 1374.
Molecular consequence: frameshift variant. On other transcripts: non-coding transcript variant (2).
Genome position (GRCh38, 1-based): chr1:197,477,779-197,477,788, CAACTCAGGG deleted; deleting any 10 consecutive bases within chr1:197,477,775-197,477,788 gives the same sequence; the c. name uses the placement nearest the transcript's 3' end. VCF-style (leftmost placement, unchanged base first): chr1-197477774-AAGGGCAACTC-A. GRCh37 (hg19) VCF-style: chr1-197446904-AAGGGCAACTC-A.
Other names: c.3785_3794del, p.Ala1262fs (NM_001193640.2); c.4049_4058del, p.Ala1350fs (NM_001257965.2); c.2513_2522del, p.Ala838fs (NM_001257966.2); short protein forms A1262fs, A1374fs, A838fs, A1350fs.
Identifiers: ClinVar variation 5740 (VCV000005740.16), dbSNP rs281865175, ClinGen allele CA212839.

ClinVar aggregate classification (germline): Pathogenic. Review status: criteria provided, multiple submitters, no conflicts (2 of 4 stars). 10 submissions from 8 submitters: Pathogenic (5). 5 of the submissions do not count toward it. Last evaluated 2024-03-25.

Conditions:
CRB1-related disorder. Also called: CRB1-related disorders; CRB1-related condition.
Leber congenital amaurosis 8 (LCA8). Identifiers: Orphanet 65, MedGen C3151202, MONDO:0013453, OMIM 613835.
Retinitis pigmentosa 12 (RP12). Also called: RP WITH OR WITHOUT PPRPE; RP WITH OR WITHOUT PRESERVED PARAARTERIOLE RETINAL PIGMENT EPITHELIUM; RETINITIS PIGMENTOSA WITH OR WITHOUT PARAARTERIOLAR PRESERVATION OF RETINAL PIGMENT EPITHELIUM. Identifiers: Orphanet 791, MedGen C1838647, MONDO:0010818, OMIM 600105.
Leber congenital amaurosis (LCA). Also called: Leber's amaurosis. Identifiers: Orphanet 65, MedGen C0339527, MeSH D057130, MONDO:0018998.

Submissions (10):

Labcorp Genetics (formerly Invitae), Labcorp
Classification: Pathogenic for Leber congenital amaurosis 8; Retinitis pigmentosa 12. Last evaluated: 2024-03-25. Review status: criteria provided, single submitter. Criteria: Invitae Variant Classification Sherloc (09022015). Collection method: clinical testing. Allele origin: germline.
Comment: This sequence change creates a premature translational stop signal (p.Ala1374Glufs*20) in the CRB1 gene. While this is not anticipated to result in nonsense mediated decay, it is expected to disrupt the last 33 amino acid(s) of the CRB1 protein. This variant is not present in population databases (gnomAD no frequency). This premature translational stop signal has been observed in individual(s) with inherited retinal dystrophy (PMID: 12567265). It has also been observed to segregate with disease in related individuals. This variant is also known as del 4121–4130. ClinVar contains an entry for this variant (Variation ID: 5740). This variant disrupts a region of the CRB1 protein in which other variant(s) (p.Arg1390*) have been determined to be pathogenic (PMID: 23379534, 29068479). This suggests that this is a clinically significant region of the protein, and that variants that disrupt it are likely to be disease-causing. For these reasons, this variant has been classified as Pathogenic.

Genome-Nilou Lab
Classification: Pathogenic for Leber congenital amaurosis 8. Last evaluated: 2023-04-11. Review status: criteria provided, single submitter. Criteria: ACMG Guidelines, 2015. Collection method: clinical testing. Allele origin: germline. Affected: no.

Genome-Nilou Lab
Classification: Pathogenic for Retinitis pigmentosa 12. Last evaluated: 2023-04-11. Review status: criteria provided, single submitter. Criteria: ACMG Guidelines, 2015. Collection method: clinical testing. Allele origin: germline. Affected: no.

Revvity Omics, Revvity
Classification: Pathogenic. Last evaluated: 2021-05-27. Review status: criteria provided, single submitter. Criteria: ACMG Guidelines, 2015. Collection method: clinical testing. Allele origin: germline.

Blueprint Genetics
Classification: Pathogenic for CRB1-related disorders. Last evaluated: 2017-07-03. Review status: criteria provided, single submitter. Criteria: ACMG Guidelines, 2015. Collection method: clinical testing. Allele origin: germline. Affected: yes. Observed: 2 variant alleles.

Sharon lab, Hadassah-Hebrew University Medical Center
Classification: Pathogenic for leber congenital amaurosis. Last evaluated: 2019-06-23. Review status: no assertion criteria provided. Collection method: research. Allele origin: inherited. Affected: yes. Not counted in ClinVar's aggregate classification.

OMIM
Classification: Pathogenic for RETINITIS PIGMENTOSA 12. Last evaluated: 2009-02-15. Review status: no assertion criteria provided. Collection method: literature only. Allele origin: germline. Not counted in ClinVar's aggregate classification.

OMIM
Classification: Pathogenic for LEBER CONGENITAL AMAUROSIS 8. Last evaluated: 2009-02-15. Review status: no assertion criteria provided. Collection method: literature only. Allele origin: germline. Not counted in ClinVar's aggregate classification.

Laboratory of Genetics in Ophthalmology, Institut Imagine
Classification: Pathogenic for Leber congenital amaurosis 8. Review status: no assertion criteria provided. Collection method: research. Allele origin: inherited. Affected: yes. Observed: 1 variant allele. Not counted in ClinVar's aggregate classification.

Retina International
No classification provided. Review status: no classification provided. Collection method: not provided. Allele origin: not provided. Not counted in ClinVar's aggregate classification.

Literature cited by the submitters: PubMed 12567265 (cited by 3 submitters); PubMed 23379534 (cited by Labcorp Genetics (formerly Invitae), Labcorp); PubMed 29068479 (cited by Labcorp Genetics (formerly Invitae), Labcorp); PubMed 19140180 (cited by OMIM).